The following is an entry in ClinVar:

NM_000135.4(FANCA):c.1470+1G>T

Gene: FANCA (FA complementation group A; minus strand). Cytogenetic location: 16q24.3.
Variant type: single nucleotide variant.
Coding change: c.1470+1G>T on transcript NM_000135.4 (MANE Select); the canonical splice donor site of the intron after coding-DNA position 1470, G replaced by T.
Molecular consequence: splice donor variant.
Genome position (GRCh38, 1-based): chr16:89,784,853, C>A on the plus strand (G>T on the coding strand, the complement: FANCA is on the minus strand). VCF-style: chr16-89784853-C-A. GRCh37 (hg19) VCF-style: chr16-89851261-C-A.
Other names: c.1470+1G>T (NM_001286167.3).
Identifiers: ClinVar variation 974215 (VCV000974215.1), dbSNP rs1555556175, ClinGen allele CA397459565.

ClinVar aggregate classification (germline): Pathogenic (0 of 4 stars; one submission).

Conditions:
Fanconi anemia complementation group A (FANCA). Also called: Fanconi anemia, group A; FANCA-Related Fanconi Anemia. Identifiers: Orphanet 84, MedGen C3469521, MONDO:0009215, OMIM 227650.

Submission:

Leiden Open Variation Database
Classification: Pathogenic for Fanconi anemia complementation group A. Last evaluated: 2020-02-28. Review status: no assertion criteria provided. Collection method: curation. Allele origin: germline. Affected: yes.
Comment: Curator: Arleen D. Auerbach. Submitter to LOVD: Arleen D. Auerbach.

Literature cited by the submitters: PubMed 21273304.